The following is an entry in ClinVar:

ClinVar aggregate classification (germline): Likely pathogenic (1 of 4 stars; one submission).

Submission:

Labcorp Genetics (formerly Invitae), Labcorp
Classification: Likely pathogenic. Last evaluated: 2020-06-22. Review status: criteria provided, single submitter. Criteria: Invitae Variant Classification Sherloc (09022015). Collection method: clinical testing. Allele origin: germline.
Comment: This variant has not been reported in the literature in individuals with COL4A4-related conditions. This variant disrupts the p.Arg1682 amino acid residue in COL4A4. Other variant(s) that disrupt this residue have been determined to be pathogenic (PMID:17216251, 26809805, 27859054). This suggests that this residue is clinically significant, and that variants that disrupt this residue are likely to be disease-causing. In summary, the currently available evidence indicates that the variant is pathogenic, but additional data are needed to prove that conclusively. Therefore, this variant has been classified as Likely Pathogenic. This variant is not present in population databases (ExAC no frequency). This sequence change results in a premature translational stop signal in the COL4A4 gene (p.Arg1682Glyfs*6). While this is not anticipated to result in nonsense mediated decay, it is expected to disrupt the last 9 amino acids of the COL4A4 protein.

Literature cited by the submitters: PubMed 17216251; PubMed 26809805; PubMed 27859054.

NM_000092.5(COL4A4):c.5044del (p.Arg1682fs)

Gene: COL4A4 (collagen type IV alpha 4 chain; minus strand). Cytogenetic location: 2q36.3.
Variant type: Deletion.
Coding change: c.5044del on transcript NM_000092.5 (MANE Select); coding-DNA position 5044, one base deleted (C; older notation c.5044delC).
Protein change: p.Arg1682fs; shifts the reading frame from arginine 1682.
Molecular consequence: frameshift variant.
Genome position (GRCh38, 1-based): chr2:227,007,354, G deleted on the plus strand (C on the coding strand, the reverse complement: COL4A4 is on the minus strand); the first of 2 consecutive G bases (chr2:227,007,354-227,007,355); deleting either gives the same sequence. VCF-style (leftmost placement, unchanged base first): chr2-227007353-CG-C. GRCh37 (hg19) VCF-style: chr2-227872069-CG-C.
Other names: short protein forms R1682fs.
Identifiers: ClinVar variation 1066879 (VCV001066879.9), dbSNP rs2149713086, ClinGen allele CA2499215702.
Genomic context (GRCh38, chr2:227,007,353, plus strand): 5'-TCTTGGCCACGTGTTGGTGAATTTCGCATTCTCTAGCTATACTTCACGCAGACCTGGCAC[CG>C]GCTGATTTTCTGGCGTTGGGCCTGGCTTTCTTTTAAGGTGTCTGGTGCTGGAGCAGAGGA-3'